The following is an entry in ClinVar:

ClinVar aggregate classification (germline): Uncertain significance (1 of 4 stars; one submission).

Conditions:
Neurofibromatosis, type 1 (NF1). Also called: Neurofibromatosis, type I; VON RECKLINGHAUSEN DISEASE; NEUROFIBROMATOSIS, TYPE I, SOMATIC; Peripheral type neurofibromatosis. Identifiers: Orphanet 636, MedGen C0027831, MONDO:0018975, OMIM 162200. Disease mechanism: loss of function.

Submission:

Labcorp Genetics (formerly Invitae), Labcorp
Classification: Uncertain significance for Neurofibromatosis, type 1. Last evaluated: 2023-03-14. Review status: criteria provided, single submitter. Criteria: Invitae Variant Classification Sherloc (09022015). Collection method: clinical testing. Allele origin: germline.
Comment: In summary, the available evidence is currently insufficient to determine the role of this variant in disease. Therefore, it has been classified as a Variant of Uncertain Significance. Advanced modeling of protein sequence and biophysical properties (such as structural, functional, and spatial information, amino acid conservation, physicochemical variation, residue mobility, and thermodynamic stability) has been performed at Invitae for this missense variant, however the output from this modeling did not meet the statistical confidence thresholds required to predict the impact of this variant on NF1 protein function. This variant has not been reported in the literature in individuals affected with NF1-related conditions. This variant is not present in population databases (gnomAD no frequency). This sequence change replaces glutamic acid, which is acidic and polar, with alanine, which is neutral and non-polar, at codon 1356 of the NF1 protein (p.Glu1356Ala).

NM_001042492.3(NF1):c.4067A>C (p.Glu1356Ala)

Gene: NF1 (neurofibromin 1; plus strand). Cytogenetic location: 17q11.2.
Variant type: single nucleotide variant.
Coding change: c.4067A>C on transcript NM_001042492.3 (MANE Select); coding-DNA position 4067, A replaced by C.
Protein change: p.Glu1356Ala; replaces glutamic acid 1356 with alanine.
Molecular consequence: missense variant.
Genome position (GRCh38, 1-based): chr17:31,249,076, A>C. VCF-style: chr17-31249076-A-C. GRCh37 (hg19) VCF-style: chr17-29576094-A-C.
Other names: c.4067A>C, p.Glu1356Ala (NM_000267.4); short protein forms E1356A.
Identifiers: ClinVar variation 2845542 (VCV002845542.3), dbSNP rs2151451540, ClinGen allele CA398995012.
Genomic context (GRCh38, chr17:31,249,076, plus strand): 5'-AGCGGAACCTCCTTCAGATGACTGAAAAGTTCTTCCATGCCATCATCAGTTCCTCCTCAG[A>C]ATTCCCCCCTCAACTTCGAAGTGTGTGCCACTGTTTATACCAGGTATGCTTACAGTTAGA-3'
Protein context (NP_001035957.1, residues 1346-1366): FFHAIISSSS[Glu1356Ala]FPPQLRSVCH